The following is an entry in ClinVar:

ClinVar aggregate classification (germline): Uncertain significance. Review status: criteria provided, multiple submitters, no conflicts (2 of 4 stars). 3 submissions from 3 submitters: Uncertain significance (3). Last evaluated 2025-09-04.

Conditions:
Hereditary cancer-predisposing syndrome. Also called: Tumor predisposition; Hereditary Cancer Syndrome; Hereditary neoplastic syndrome; Neoplastic Syndromes, Hereditary. Identifiers: Orphanet 140162, MedGen C0027672, MeSH D009386, MONDO:0015356.
Fanconi anemia complementation group J. Also called: BRIP1-Related Fanconi Anemia. Identifiers: Orphanet 84, MedGen C1836860, MONDO:0012187, OMIM 609054.
Familial cancer of breast. Also called: hereditary breast carcinoma; BREAST CANCER, FAMILIAL; Hereditary breast cancer. Identifiers: Orphanet 227535, MedGen C0346153, MONDO:0016419, OMIM 114480. Disease mechanism: loss of function.

Allele frequency attached by ClinVar (database versions not stated): gnomAD exomes below 0.00001; TOPMed below 0.00001.
gnomAD v4.1: 1 of 1,614,080 alleles (0.000062%); highest among the groups gnomAD compares: Non-Finnish European, 0.000085%; no homozygotes.

Submissions (3):

Labcorp Genetics (formerly Invitae), Labcorp
Classification: Uncertain significance for Familial cancer of breast; Fanconi anemia complementation group J. Last evaluated: 2025-09-04. Review status: criteria provided, single submitter. Criteria: Invitae Variant Classification Sherloc (09022015). Collection method: clinical testing. Allele origin: germline.
Comment: This sequence change replaces tryptophan, which is neutral and slightly polar, with arginine, which is basic and polar, at codon 863 of the BRIP1 protein (p.Trp863Arg). This variant is not present in population databases (gnomAD no frequency). This missense change has been observed in individual(s) with Fanconi anemia (PMID: 35417938). ClinVar contains an entry for this variant (Variation ID: 233509). Invitae Evidence Modeling of protein sequence and biophysical properties (such as structural, functional, and spatial information, amino acid conservation, physicochemical variation, residue mobility, and thermodynamic stability) indicates that this missense variant is expected to disrupt BRIP1 protein function with a positive predictive value of 95%. In summary, the available evidence is currently insufficient to determine the role of this variant in disease. Therefore, it has been classified as a Variant of Uncertain Significance.

Ambry Genetics
Classification: Uncertain significance for Hereditary cancer-predisposing syndrome. Last evaluated: 2025-07-16. Review status: criteria provided, single submitter. Criteria: Ambry Variant Classification Scheme 2023. Collection method: clinical testing. Allele origin: germline.
Comment: The p.W863R variant (also known as c.2587T>C), located in coding exon 18 of the BRIP1 gene, results from a T to C substitution at nucleotide position 2587. The tryptophan at codon 863 is replaced by arginine, an amino acid with dissimilar properties. This amino acid position is highly conserved in available vertebrate species. In addition, this alteration is predicted to be deleterious by in silico analysis. Since supporting evidence is limited at this time, the clinical significance of this alteration remains unclear.

Baylor Genetics
Classification: Uncertain significance for Familial cancer of breast. Last evaluated: 2024-02-16. Review status: criteria provided, single submitter. Criteria: ACMG Guidelines, 2015. Collection method: clinical testing. Allele origin: unknown.

Literature cited by the submitters: PubMed 35417938 (cited by Labcorp Genetics (formerly Invitae), Labcorp).

NM_032043.3(BRIP1):c.2587T>C (p.Trp863Arg)

Gene: BRIP1 (BRCA1 interacting DNA helicase 1; minus strand). Cytogenetic location: 17q23.2.
Variant type: single nucleotide variant.
Coding change: c.2587T>C on transcript NM_032043.3 (MANE Select); coding-DNA position 2587, T replaced by C.
Protein change: p.Trp863Arg; replaces tryptophan 863 with arginine.
Molecular consequence: missense variant.
Genome position (GRCh38, 1-based): chr17:61,686,154, A>G on the plus strand (T>C on the coding strand, the complement: BRIP1 is on the minus strand). VCF-style: chr17-61686154-A-G. GRCh37 (hg19) VCF-style: chr17-59763515-A-G.
Other names: short protein forms W863R.
Identifiers: ClinVar variation 233509 (VCV000233509.17), dbSNP rs876660452, ClinGen allele CA10580793.